The following is an entry in ClinVar:

NM_000455.5(STK11):c.715T>G (p.Trp239Gly)

Gene: STK11 (serine/threonine kinase 11; plus strand). Cytogenetic location: 19p13.3.
Variant type: single nucleotide variant.
Coding change: c.715T>G on transcript NM_000455.5 (MANE Select); coding-DNA position 715, T replaced by G.
Protein change: p.Trp239Gly; replaces tryptophan 239 with glycine.
Molecular consequence: missense variant.
Genome position (GRCh38, 1-based): chr19:1,220,698, T>G. VCF-style: chr19-1220698-T-G. GRCh37 (hg19) VCF-style: chr19-1220697-T-G.
Other names: short protein forms W239G.
Identifiers: ClinVar variation 826873 (VCV000826873.7), dbSNP rs745622138, ClinGen allele CA402949927.

ClinVar aggregate classification (germline): Pathogenic/Likely pathogenic. Review status: criteria provided, multiple submitters, no conflicts (2 of 4 stars). 2 submissions from 2 submitters: Pathogenic (1); Likely pathogenic (1). Last evaluated 2026-09-11.

Conditions:
Peutz-Jeghers syndrome (PJS). Also called: POLYPOSIS, HAMARTOMATOUS INTESTINAL; POLYPS-AND-SPOTS SYNDROME; Peutz-Jeghers polyposis; Periorificial lentiginosis syndrome. Identifiers: Orphanet 2869, MedGen C0031269, MeSH D010580, MONDO:0008280, OMIM 175200.
Hereditary cancer-predisposing syndrome. Also called: Tumor predisposition; Hereditary neoplastic syndrome; Neoplastic Syndromes, Hereditary; Hereditary Cancer Syndrome. Identifiers: Orphanet 140162, MedGen C0027672, MeSH D009386, MONDO:0015356.

Submissions (2):

Ambry Genetics
Classification: Likely pathogenic for Hereditary cancer-predisposing syndrome. Last evaluated: 2026-09-11. Review status: criteria provided, single submitter. Criteria: Ambry Variant Classification Scheme 2023. Collection method: clinical testing. Allele origin: germline.
Comment: The p.W239G variant (also known as c.715T>G), located in coding exon 5 of the STK11 gene, results from a T to G substitution at nucleotide position 715. The tryptophan at codon 239 is replaced by glycine, an amino acid with highly dissimilar properties. This variant was reported in an individual with a clinical diagnosis of Peutz-Jeghers syndrome (Weng MT et al. J. Formos. Med. Assoc. 2010 May;109:354-61). This amino acid position is highly conserved in available vertebrate species. In addition, this alteration is predicted to be deleterious by in silico analysis. Based on the majority of available evidence to date, this variant is likely to be pathogenic.

Labcorp Genetics (formerly Invitae), Labcorp
Classification: Pathogenic for Peutz-Jeghers syndrome. Last evaluated: 2024-05-15. Review status: criteria provided, single submitter. Criteria: Invitae Variant Classification Sherloc (09022015). Collection method: clinical testing. Allele origin: germline.
Comment: This sequence change replaces tryptophan, which is neutral and slightly polar, with glycine, which is neutral and non-polar, at codon 239 of the STK11 protein (p.Trp239Gly). This variant is not present in population databases (gnomAD no frequency). This missense change has been observed in individuals with Peutz-Jeghers syndrome (PMID: 20497868; Invitae). ClinVar contains an entry for this variant (Variation ID: 826873). Advanced modeling of protein sequence and biophysical properties (such as structural, functional, and spatial information, amino acid conservation, physicochemical variation, residue mobility, and thermodynamic stability) performed at Invitae indicates that this missense variant is expected to disrupt STK11 protein function with a positive predictive value of 95%. This variant disrupts the p.Trp239 amino acid residue in STK11. Other variant(s) that disrupt this residue have been determined to be pathogenic (PMID: 12372054, 15561763, 24054548). This suggests that this residue is clinically significant, and that variants that disrupt this residue are likely to be disease-causing. For these reasons, this variant has been classified as Pathogenic.

Literature cited by the submitters: PubMed 20497868 (cited by Ambry Genetics and Labcorp Genetics (formerly Invitae), Labcorp); PubMed 12372054 (cited by Labcorp Genetics (formerly Invitae), Labcorp); PubMed 15561763 (cited by Labcorp Genetics (formerly Invitae), Labcorp); PubMed 24054548 (cited by Labcorp Genetics (formerly Invitae), Labcorp).